The following is an entry in ClinVar:

NM_000632.4(ITGAM):c.2977-15_2977-14insCCCTTCTCA

Gene: ITGAM (integrin subunit alpha M; plus strand). Cytogenetic location: 16p11.2.
Variant type: Insertion.
Coding change: c.2977-15_2977-14insCCCTTCTCA on transcript NM_000632.4 (MANE Select); 15 bases into the intron before coding-DNA position 2977 through 14 bases into the intron before coding-DNA position 2977, CCCTTCTCA inserted.
Molecular consequence: intron variant.
Genome position: GRCh38 VCF-style: chr16-31330066-C-CCCCTTCTCA. GRCh37 (hg19) VCF-style: chr16-31341387-C-CCCCTTCTCA.
Other names: c.2980-15_2980-14insCCCTTCTCA (NM_001145808.2).
Identifiers: ClinVar variation 1474958 (VCV001474958.8), dbSNP rs770482937, ClinGen allele CA8026036.
Genomic context (GRCh38, chr16:31,330,066, plus strand): 5'-CAGGCCATCTCACCTCCCGAGATGAGGCCCTGGCGCCTTCATCTCTGCCCCTTCTCAGTG[C>CCCCTTCTCA]GTCTCTTTCCTCAGAACCTCTCGAGTACGTGCCACACCAAGGAGCGCTTGCCCTCTCACT-3'

ClinVar aggregate classification (germline): Uncertain significance (1 of 4 stars; one submission).

Allele frequency attached by ClinVar (database versions not stated): gnomAD exomes 0.00001 and 0.00003; ExAC 0.00005; gnomAD 0.00008 and 0.00009; TOPMed 0.00009.

Submission:

Labcorp Genetics (formerly Invitae), Labcorp
Classification: Uncertain significance. Last evaluated: 2025-01-27. Review status: criteria provided, single submitter. Criteria: Invitae Variant Classification Sherloc (09022015). Collection method: clinical testing. Allele origin: germline.
Comment: This sequence change falls in intron 25 of the ITGAM gene. It does not directly change the encoded amino acid sequence of the ITGAM protein. This variant is present in population databases (rs770482937, gnomAD 0.03%). This variant has not been reported in the literature in individuals affected with ITGAM-related conditions. ClinVar contains an entry for this variant (Variation ID: 1474958). Algorithms developed to predict the effect of sequence changes on RNA splicing suggest that this variant may disrupt the consensus splice site. In summary, the available evidence is currently insufficient to determine the role of this variant in disease. Therefore, it has been classified as a Variant of Uncertain Significance.